The following is an entry in ClinVar:

ClinVar aggregate classification (germline): Uncertain significance. Review status: criteria provided, multiple submitters, no conflicts (2 of 4 stars). 6 submissions from 6 submitters: Uncertain significance (5). 1 of the submissions does not count toward it. Last evaluated 2026-07-01.

Conditions:
TTN-related disorder. Also called: TTN-related condition; TTN-related disease; TTN-related disorders.
Dilated cardiomyopathy 1G (CMD1G). Identifiers: Orphanet 154, MedGen C1858763, MONDO:0011400, OMIM 604145.
Autosomal recessive limb-girdle muscular dystrophy type 2J (LGMDR10). Also called: Limb-girdle muscular dystrophy, type 2J; MUSCULAR DYSTROPHY, LIMB-GIRDLE, AUTOSOMAL RECESSIVE 10. Identifiers: Orphanet 140922, MedGen C1837342, MONDO:0012127, OMIM 608807.

Allele frequency attached by ClinVar (database versions not stated): gnomAD exomes 0.00003 and 0.00008; ExAC 0.00010; gnomAD 0.00015 and 0.00016; 1000 Genomes Project 30x 0.00016; 1000 Genomes Project 0.00020; TOPMed 0.00020; ESP Exome Variant Server 0.00025.
gnomAD v4.1: 64 of 1,611,652 alleles (0.004%); highest among the groups gnomAD compares: African/African-American, 0.053%; 1 homozygote.

Submissions (6):

PreventionGenetics, part of Exact Sciences
Classification: Uncertain significance for TTN-related condition. Last evaluated: 2026-07-01. Review status: criteria provided, single submitter. Criteria: ACMG Guidelines, 2015. Collection method: clinical testing. Allele origin: germline.
Comment: The TTN c.33367G>A variant is predicted to result in the amino acid substitution p.Ala11123Thr. To our knowledge, this variant has not been reported in individuals with TTN-related disorders. This variant is reported in 0.058% of alleles in individuals of African descent in gnomAD, including one homozygous individual. Although we suspect that this variant may be benign, at this time, the clinical significance of this variant is uncertain due to the absence of conclusive functional and genetic evidence.

ARUP Laboratories, Molecular Genetics and Genomics, ARUP Laboratories
Classification: Uncertain significance. Last evaluated: 2025-05-14. Review status: criteria provided, single submitter. Criteria: ARUP Molecular Germline Variant Investigation Process 2024. Collection method: clinical testing. Allele origin: germline.
Comment: The TTN c.33367G>A; p.Ala11123Thr variant (rs200321239; ClinVar Variation ID: 202579) is rare in the general population (<0.2% allele frequency in the Genome Aggregation Database) and has not been reported in the medical literature in association with dilated cardiomyopathy (DCM) or other TTN-related disease. The clinical relevance of rare missense variants in this gene, which are identified on average once per individual sequenced in affected populations (Herman 2012), is not well understood. Yet, evidence suggests that the vast majority of such missense variants do not contribute to the clinical outcome of DCM (Begay 2015). Thus, the clinical significance of the p.Ala11123Thr variant cannot be determined with certainty.

Revvity Omics, Revvity
Classification: Uncertain significance. Last evaluated: 2022-09-27. Review status: criteria provided, single submitter. Criteria: ACMG Guidelines, 2015. Collection method: clinical testing. Allele origin: germline.

Labcorp Genetics (formerly Invitae), Labcorp
Classification: Uncertain significance for Dilated cardiomyopathy 1G; Autosomal recessive limb-girdle muscular dystrophy type 2J. Last evaluated: 2018-01-01. Review status: criteria provided, single submitter. Criteria: Invitae Variant Classification Sherloc (09022015). Collection method: clinical testing. Allele origin: germline.

Eurofins Ntd Llc (ga)
Classification: Uncertain significance. Last evaluated: 2016-10-12. Review status: criteria provided, single submitter. Criteria: EGL Classification Definitions 2015. Collection method: clinical testing. Allele origin: germline. Observed: 1 variant allele, 1 heterozygote.

GeneDx
No classification provided. Last evaluated: 2014-02-12. Review status: no classification provided. Criteria: GeneDx Variant Classification (06012015). Collection method: clinical testing. Allele origin: germline. Affected: yes. Not counted in ClinVar's aggregate classification.
Comment: Missense variants in the TTN gene are considered 'unclassified' if they are not previously reported in the literature and do not have >1% frequency in the population to be considered a polymorphism. Research indicates that truncating mutations in the TTN gene are expected to account for approximately 25% of familial and 18% of sporadic idiopathic DCM; however, truncating variants in the TTN gene have been reported in approximately 3% of reported control alleles. There has been little investigation into non-truncating variants. (Herman D et al. Truncations of titin causing dilated cardiomyopathy. N Eng J Med 366:619-628, 2012) The variant is found in DCM-CRDM panel(s).

NM_001267550.2(TTN):c.33367G>A (p.Ala11123Thr)

Gene: TTN (titin; minus strand). Cytogenetic location: 2q31.2.
Variant type: single nucleotide variant.
Coding change: c.33367G>A on transcript NM_001267550.2 (MANE Select); coding-DNA position 33367, G replaced by A.
Protein change: p.Ala11123Thr; replaces alanine 11123 with threonine.
Molecular consequence: missense variant. On other transcripts: intron variant (3).
Genome position (GRCh38, 1-based): chr2:178,680,305, C>T on the plus strand (G>A on the coding strand, the complement: TTN is on the minus strand). VCF-style: chr2-178680305-C-T. GRCh37 (hg19) VCF-style: chr2-179545032-C-T.
Other names: p.A10806T:GCA>ACA; c.32416G>A, p.Ala10806Thr (NM_001256850.1); c.29635G>A, p.Ala9879Thr (NM_133378.4); c.13283-37988G>A (NM_003319.4); c.13859-37988G>A (NM_133437.4); c.13658-37988G>A (NM_133432.3); short protein forms A10806T, A11123T, A9879T.
Identifiers: ClinVar variation 202579 (VCV000202579.14), dbSNP rs200321239, ClinGen allele CA309649.